The following is an entry in ClinVar:

NM_006977.5(ZBTB25):c.1161A>G (p.Ala387=)

Gene: ZBTB25 (zinc finger and BTB domain containing 25; minus strand). Cytogenetic location: 14q23.3.
Variant type: single nucleotide variant.
Coding change: c.1161A>G on transcript NM_006977.5 (MANE Select); coding-DNA position 1161, A replaced by G.
Protein change: p.Ala387=; no amino-acid change (alanine 387 retained).
Molecular consequence: synonymous variant. On other transcripts: 3 prime UTR variant (1), intron variant (1).
Genome position (GRCh38, 1-based): chr14:64,487,070, T>C on the plus strand (A>G on the coding strand, the complement: ZBTB25 is on the minus strand). VCF-style: chr14-64487070-T-C. GRCh37 (hg19) VCF-style: chr14-64953788-T-C.
Other names: c.1161A>G, p.Ala387= (NM_001304507.1, NM_001354684.2, NM_001354685.2 and 2 more transcripts); c.1278A>G, p.Ala426= (NM_001354682.2); c.*113A>G (NM_001354683.2); c.173+3291A>G (NM_001304508.1).
Identifiers: ClinVar variation 3037199 (VCV003037199.2), dbSNP rs77637496, ClinGen allele CA7226964.
Genomic context (GRCh38, chr14:64,487,070, plus strand): 5'-AGAACTTTTCAGGGAGACATCAGACCAGCTGTCACAGTATGGCTGAAATCTCTGGGCCAA[T>C]GCATTACCAAACCTTTGGCATCGGTTATATCTGTAAGATTTACCTTTGTGTGTATACATG-3'
Protein context (NP_008908.2, residues 377-397): RYNRCQRFGN[Ala387=]LAQRFQPYCD

ClinVar aggregate classification (germline): Benign (0 of 4 stars; one submission).

Conditions:
ZBTB25-related disorder. Also called: ZBTB25-related condition.

Allele frequency attached by ClinVar (database versions not stated): gnomAD exomes 0.00092; ExAC 0.00293; gnomAD 0.00973; ESP Exome Variant Server 0.01061; 1000 Genomes Project 0.01078; TOPMed 0.01113; 1000 Genomes Project 30x 0.01374.
gnomAD v4.1: 2,856 of 1,614,208 alleles (0.18%); highest among the groups gnomAD compares: African/African-American, 3.5%; 47 homozygotes.

Submission:

PreventionGenetics, part of Exact Sciences
Classification: Benign for ZBTB25-related condition. Last evaluated: 2019-05-01. Review status: no assertion criteria provided. Collection method: clinical testing. Allele origin: germline.
Comment: This variant is classified as benign based on ACMG/AMP sequence variant interpretation guidelines (Richards et al. 2015 PMID: 25741868, with internal and published modifications).